The following is an entry in ClinVar:

NM_020166.5(MCCC1):c.1338G>A (p.Ala446=)

Gene: MCCC1 (methylcrotonyl-CoA carboxylase subunit 1; minus strand). Cytogenetic location: 3q27.1.
Variant type: single nucleotide variant.
Coding change: c.1338G>A on transcript NM_020166.5 (MANE Select); coding-DNA position 1338, G replaced by A.
Protein change: p.Ala446=; no amino-acid change (alanine 446 retained).
Molecular consequence: synonymous variant. On other transcripts: non-coding transcript variant (2).
Genome position (GRCh38, 1-based): chr3:183,039,065, C>T on the plus strand (G>A on the coding strand, the complement: MCCC1 is on the minus strand). VCF-style: chr3-183039065-C-T. GRCh37 (hg19) VCF-style: chr3-182756853-C-T.
Other names: c.987G>A, p.Ala329= (NM_001293273.2); c.1011G>A, p.Ala337= (NM_001363880.1).
Identifiers: ClinVar variation 507927 (VCV000507927.12), dbSNP rs373049854, ClinGen allele CA2718808.

ClinVar aggregate classification (germline): Likely benign. Review status: criteria provided, multiple submitters, no conflicts (2 of 4 stars). 3 submissions from 3 submitters: Likely benign (3). Last evaluated 2026-02-27.

Conditions:
3-methylcrotonyl-CoA carboxylase 1 deficiency (MCC1D). Also called: MCC 1 deficiency; 3 Alpha methylcrotonylglycinuria 1; MCCD TYPE 1; METHYLCROTONYLGLYCINURIA TYPE I. Identifiers: Orphanet 6, MedGen CN028786, MONDO:0008861, OMIM 210200.

Allele frequency attached by ClinVar (database versions not stated): gnomAD 0.00003 and 0.00004; gnomAD exomes 0.00004 and 0.00005; TOPMed 0.00006; ExAC 0.00007; ESP Exome Variant Server 0.00008.
gnomAD v4.1: 68 of 1,614,032 alleles (0.0042%); highest among the groups gnomAD compares: Non-Finnish European, 0.0052%; no homozygotes.

Submissions (3):

Women's Health and Genetics/Laboratory Corporation of America, LabCorp
Classification: Likely benign. Last evaluated: 2026-02-27. Review status: criteria provided, single submitter. Criteria: LabCorp Variant Classification Summary - May 2015. Collection method: clinical testing. Allele origin: germline.

Labcorp Genetics (formerly Invitae), Labcorp
Classification: Likely benign for 3-methylcrotonyl-CoA carboxylase 1 deficiency. Last evaluated: 2025-11-18. Review status: criteria provided, single submitter. Criteria: Invitae Variant Classification Sherloc (09022015). Collection method: clinical testing. Allele origin: germline.

GeneDx
Classification: Likely benign. Last evaluated: 2017-03-22. Review status: criteria provided, single submitter. Criteria: GeneDx Variant Classification (06012015). Collection method: clinical testing. Allele origin: germline. Affected: yes.
Comment: This variant is considered likely benign or benign based on one or more of the following criteria: it is a conservative change, it occurs at a poorly conserved position in the protein, it is predicted to be benign by multiple in silico algorithms, and/or has population frequency not consistent with disease.